The following is an entry in ClinVar:

ClinVar aggregate classification (germline): Likely benign (1 of 4 stars; one submission).

gnomAD v4.1: 24 of 1,613,640 alleles (0.0015%); highest among the groups gnomAD compares: Non-Finnish European, 0.0018%; no homozygotes.

Submission:

CeGaT Center for Human Genetics Tuebingen
Classification: Likely benign. Last evaluated: 2025-06-01. Review status: criteria provided, single submitter. Criteria: CeGaT Center For Human Genetics Tuebingen Variant Classification Criteria Version 2. Collection method: clinical testing. Allele origin: germline. Affected: yes. Observed: 1 variant allele.
Comment: CHD3: BP4, BP7

NM_001005273.3(CHD3):c.5184G>A (p.Arg1728=)

Gene: CHD3 (chromodomain helicase DNA binding protein 3; plus strand). Cytogenetic location: 17p13.1.
Variant type: single nucleotide variant.
Coding change: c.5184G>A on transcript NM_001005273.3 (MANE Select); coding-DNA position 5184, G replaced by A.
Protein change: p.Arg1728=; no amino-acid change (arginine 1728 retained).
Molecular consequence: synonymous variant.
Genome position (GRCh38, 1-based): chr17:7,908,433, G>A. VCF-style: chr17-7908433-G-A. GRCh37 (hg19) VCF-style: chr17-7811751-G-A.
Other names: c.5361G>A, p.Arg1787= (NM_001005271.3); c.5082G>A, p.Arg1694= (NM_005852.4).
Identifiers: ClinVar variation 3905221 (VCV003905221.10).